The following is an entry in ClinVar:

NM_001042492.3(NF1):c.4578-2A>G

Gene: NF1 (neurofibromin 1; plus strand). Cytogenetic location: 17q11.2.
Variant type: single nucleotide variant.
Coding change: c.4578-2A>G on transcript NM_001042492.3 (MANE Select); the canonical splice acceptor site of the intron before coding-DNA position 4578, A replaced by G.
Molecular consequence: splice acceptor variant.
Genome position (GRCh38, 1-based): chr17:31,261,709, A>G. VCF-style: chr17-31261709-A-G. GRCh37 (hg19) VCF-style: chr17-29588727-A-G.
Other names: c.4515-2A>G (NM_000267.4); c.4578-2A>G (NM_001042492.2).
Identifiers: ClinVar variation 457705 (VCV000457705.13), dbSNP rs1555618996, ClinGen allele CA399000076.

ClinVar aggregate classification (germline): Pathogenic. Review status: criteria provided, multiple submitters, no conflicts (2 of 4 stars). 7 submissions from 7 submitters: Pathogenic (6). 1 of the submissions does not count toward it. Last evaluated 2026-06-23.

Conditions:
Neurofibromatosis-Noonan syndrome (NFNS). Also called: NEUROFIBROMATOSIS WITH NOONAN PHENOTYPE. Identifiers: Orphanet 638, MedGen C2931482, MONDO:0011035, OMIM 601321. Disease mechanism: loss of function.
Neurofibromatosis, type 1 (NF1). Also called: Neurofibromatosis, type I; Peripheral type neurofibromatosis; VON RECKLINGHAUSEN DISEASE; NEUROFIBROMATOSIS, TYPE I, SOMATIC. Identifiers: Orphanet 636, MedGen C0027831, MONDO:0018975, OMIM 162200. Disease mechanism: loss of function.
Cardiovascular phenotype. Identifiers: MedGen CN230736.
Hereditary cancer-predisposing syndrome. Also called: Neoplastic Syndromes, Hereditary; Tumor predisposition; Hereditary neoplastic syndrome; Hereditary Cancer Syndrome. Identifiers: Orphanet 140162, MedGen C0027672, MeSH D009386, MONDO:0015356.

Submissions (7):

GeneDx
Classification: Pathogenic. Last evaluated: 2026-06-23. Review status: criteria provided, single submitter. Criteria: GeneDx Variant Classification Process June 2021. Collection method: clinical testing. Allele origin: germline.
Comment: Canonical splice site variant predicted to result in an in-frame loss of the adjacent exon in a gene for which loss of function is a known mechanism of disease; Deletions involving coding exons of this gene are a known mechanism of disease (HGMD); Not observed at significant frequency in large population cohorts (gnomAD); This variant is associated with the following publications: (PMID: 34758253, 25525159, 31370276, 18484666, 30001348, 10712197, 10862084, 22807134)

Department of Genetics, Sultan Qaboos University Hospital
Classification: Pathogenic for Neurofibromatosis, type 1. Last evaluated: 2026-04-01. Review status: criteria provided, single submitter. Criteria: ACMG Guidelines, 2015. Collection method: clinical testing. Allele origin: germline. Affected: yes. Observed: 1 variant allele.
Comment: PVS1_Moderate,PM2,PP5_Very_Strong

Labcorp Genetics (formerly Invitae), Labcorp
Classification: Pathogenic for Neurofibromatosis, type 1. Last evaluated: 2026-01-27. Review status: criteria provided, single submitter. Criteria: Invitae Variant Classification Sherloc (09022015). Collection method: clinical testing. Allele origin: germline.
Comment: This sequence change affects an acceptor splice site in intron 33 of the NF1 gene. RNA analysis indicates that disruption of this splice site induces altered splicing and may result in an absent or altered protein product. This variant is not present in population databases (gnomAD no frequency). Disruption of this splice site has been observed in individual(s) with neurofibromatosis type I (PMID: 10712197, 10862084). Invitae Evidence Modeling of clinical and family history, age, sex, and reported ancestry of multiple individuals with this NF1 variant has been performed. This variant is expected to be pathogenic with a positive predictive value of at least 99%. This is a validated machine learning model that incorporates the clinical features of 1,785,918 individuals referred to our laboratory for NF1 testing. ClinVar contains an entry for this variant (Variation ID: 457705). Studies have shown that disruption of this splice site results in activation of cryptic splice sites and introduces a premature termination codon (PMID: 10862084; internal data). The resulting mRNA is expected to undergo nonsense-mediated decay. For these reasons, this variant has been classified as Pathogenic.

Ambry Genetics
Classification: Pathogenic for Cardiovascular phenotype; Hereditary cancer-predisposing syndrome. Last evaluated: 2025-11-20. Review status: criteria provided, single submitter. Criteria: Ambry Variant Classification Scheme 2023. Collection method: clinical testing. Allele origin: germline.
Comment: The c.4515-2A>G intronic pathogenic mutation results from an A to G substitution two nucleotides upstream from coding exon 34 in the NF1 gene. Alterations that disrupt the canonical splice site are expected to result in aberrant splicing. In silico splice site analysis predicts that this alteration will weaken the native splice acceptor site and may result in the creation or strengthening of a novel splice acceptor site. A resulting transcript is predicted to be in-frame and is not expected to trigger nonsense-mediated mRNAdecay; although, direct evidence is unavailable. However, the region predicted to be impacted is critical for protein function (Ambry internal data). This variant was reported in individual(s) with features consistent with neurofibromatosis type I (Fahsold R et al. Am J Hum Genet, 2000 Mar;66:790-818; Santoro C et al. PLoS One, 2018 Jul;13:e0200446; Ambry internal data). This variant is considered to be rare based on population cohorts in the Genome Aggregation Database (gnomAD). This nucleotide position is highly conserved in available vertebrate species. Based on the supporting evidence, this variant is interpreted as a disease-causing mutation.

3billion
Classification: Pathogenic for Neurofibromatosis, type 1. Last evaluated: 2025-06-23. Review status: criteria provided, single submitter. Criteria: ACMG Guidelines, 2015. Collection method: clinical testing. Allele origin: germline. Affected: yes.
Comment: The variant is not observed in the gnomAD v4.1.0 dataset. Predicted Consequence/Location: Canonical splice site: predicted to alter splicing and result in a loss or disruption of normal protein function. Multiple pathogenic loss-of-function variants are reported downstream of the variant. In silico tools predict the variant to alter splicing and produce an abnormal transcript [SpliceAI: 0.66 (spliceogenicity >=0.2, non-spliceogenicity <0.1)]. The variant has been reported to be associated with NF1-related disorder (ClinVar ID: VCV000457705 /PMID: 10712197). Therefore, this variant is classified as Pathogenic according to the recommendation of ACMG/AMP guideline.

Molecular Pathology, Peter Maccallum Cancer Centre
Classification: Pathogenic for Neurofibromatosis, type 1. Last evaluated: 2024-12-05. Review status: criteria provided, single submitter. Criteria: ACMG Guidelines, 2015. Collection method: clinical testing. Allele origin: germline. Inheritance: Autosomal dominant inheritance.

Genomics England Pilot Project, Genomics England
Classification: Pathogenic for Neurofibromatosis-Noonan syndrome. Review status: no assertion criteria provided. Criteria: ACGS Guidelines, 2016. Collection method: clinical testing. Allele origin: germline. Affected: yes. Not counted in ClinVar's aggregate classification.

Literature cited by the submitters: PubMed 10712197 (cited by 3 submitters); PubMed 10862084 (cited by Labcorp Genetics (formerly Invitae), Labcorp); PubMed 30001348 (cited by Ambry Genetics).